The following is an entry in ClinVar:

NM_014908.4(DOLK):c.1039A>G (p.Thr347Ala)

Gene: DOLK (dolichol kinase; minus strand). Cytogenetic location: 9q34.11.
Variant type: single nucleotide variant.
Coding change: c.1039A>G on transcript NM_014908.4 (MANE Select); coding-DNA position 1039, A replaced by G.
Protein change: p.Thr347Ala; replaces threonine 347 with alanine.
Molecular consequence: missense variant.
Genome position (GRCh38, 1-based): chr9:128,946,265, T>C on the plus strand (A>G on the coding strand, the complement: DOLK is on the minus strand). VCF-style: chr9-128946265-T-C. GRCh37 (hg19) VCF-style: chr9-131708544-T-C.
Other names: short protein forms T347A.
Identifiers: ClinVar variation 2194441 (VCV002194441.3), dbSNP rs1841664684, ClinGen allele CA375120579.

ClinVar aggregate classification (germline): Uncertain significance. Review status: criteria provided, multiple submitters, no conflicts (2 of 4 stars). 2 submissions from 2 submitters: Uncertain significance (2). Last evaluated 2025-03-22.

Conditions:
DK1-congenital disorder of glycosylation. Also called: CDG Im; DOLK-congenital disorder of glycosylation; Carbohydrate deficient glycoprotein syndrome type 1m; DK1 DEFICIENCY; DOLICHOL KINASE DEFICIENCY; DK1-CDG. Identifiers: Orphanet 91131, MedGen C1835849, MONDO:0012556, OMIM 610768.
Cardiovascular phenotype. Identifiers: MedGen CN230736.

Allele frequency attached by ClinVar (database versions not stated): gnomAD exomes below 0.00001; gnomAD 0.00001.

Submissions (2):

Ambry Genetics
Classification: Uncertain significance for Cardiovascular phenotype. Last evaluated: 2025-03-22. Review status: criteria provided, single submitter. Criteria: Ambry Variant Classification Scheme 2023. Collection method: clinical testing. Allele origin: germline.

Labcorp Genetics (formerly Invitae), Labcorp
Classification: Uncertain significance for DK1-congenital disorder of glycosylation. Last evaluated: 2022-02-17. Review status: criteria provided, single submitter. Criteria: Invitae Variant Classification Sherloc (09022015). Collection method: clinical testing. Allele origin: germline.
Comment: This sequence change replaces threonine, which is neutral and polar, with alanine, which is neutral and non-polar, at codon 347 of the DOLK protein (p.Thr347Ala). In summary, the available evidence is currently insufficient to determine the role of this variant in disease. Therefore, it has been classified as a Variant of Uncertain Significance. Algorithms developed to predict the effect of sequence changes on RNA splicing suggest that this variant is not likely to affect RNA splicing. Algorithms developed to predict the effect of missense changes on protein structure and function are either unavailable or do not agree on the potential impact of this missense change (SIFT: "Tolerated"; PolyPhen-2: "Possibly Damaging"; Align-GVGD: "Class C0"). This variant has not been reported in the literature in individuals affected with DOLK-related conditions. This variant is not present in population databases (gnomAD no frequency).